The following is an entry in ClinVar:

ClinVar aggregate classification (germline): Uncertain significance (1 of 4 stars; one submission).

Submission:

GeneDx
Classification: Uncertain significance. Last evaluated: 2025-08-09. Review status: criteria provided, single submitter. Criteria: GeneDx Variant Classification Process June 2021. Collection method: clinical testing. Allele origin: germline. Affected: yes.
Comment: Not observed at significant frequency in large population cohorts (gnomAD); In silico analysis suggests that this missense variant does not alter protein structure/function; Has not been previously published as pathogenic or benign to our knowledge

NM_015570.4(AUTS2):c.1213A>C (p.Ser405Arg)

Gene: AUTS2 (activator of transcription and developmental regulator AUTS2; plus strand). Cytogenetic location: 7q11.22.
Variant type: single nucleotide variant.
Coding change: c.1213A>C on transcript NM_015570.4 (MANE Select); coding-DNA position 1213, A replaced by C.
Protein change: p.Ser405Arg; replaces serine 405 with arginine.
Molecular consequence: missense variant.
Genome position (GRCh38, 1-based): chr7:70,763,340, A>C. VCF-style: chr7-70763340-A-C. GRCh37 (hg19) VCF-style: chr7-70228326-A-C.
Other names: c.1213A>C, p.Ser405Arg (NM_001127231.3); short protein forms S405R.
Identifiers: ClinVar variation 4795510 (VCV004795510.1).